The following is an entry in ClinVar:

NM_001365951.3(KIF1B):c.5413A>G (p.Lys1805Glu)

Gene: KIF1B (kinesin family member 1B; plus strand). Cytogenetic location: 1p36.22.
Variant type: single nucleotide variant.
Coding change: c.5413A>G on transcript NM_001365951.3 (MANE Select); coding-DNA position 5413, A replaced by G.
Protein change: p.Lys1805Glu; replaces lysine 1805 with glutamic acid.
Molecular consequence: missense variant.
Genome position (GRCh38, 1-based): chr1:10,376,549, A>G. VCF-style: chr1-10376549-A-G. GRCh37 (hg19) VCF-style: chr1-10436607-A-G.
Other names: c.5413A>G, p.Lys1805Glu (NM_001365952.1); c.5275A>G, p.Lys1759Glu (NM_015074.3); short protein forms K1805E, K1759E.
Identifiers: ClinVar variation 3534057 (VCV003534057.1).

ClinVar aggregate classification (germline): Uncertain significance (1 of 4 stars; one submission).

gnomAD v4.1: 3 of 1,614,048 alleles (0.00019%); highest among the groups gnomAD compares: Admixed American, 0.005%; no homozygotes.

Submission:

Ambry Genetics
Classification: Uncertain significance. Last evaluated: 2024-10-28. Review status: criteria provided, single submitter. Criteria: Ambry Variant Classification Scheme 2023. Collection method: clinical testing. Allele origin: germline.
Comment: The p.K1759E variant (also known as c.5275A>G), located in coding exon 46 of the KIF1B gene, results from an A to G substitution at nucleotide position 5275. The lysine at codon 1759 is replaced by glutamic acid, an amino acid with similar properties. This amino acid position is conserved. In addition, the in silico prediction for this alteration is inconclusive. Based on the available evidence, the clinical significance of this variant remains unclear.